The following is an entry in ClinVar:

NM_006158.5(NEFL):c.558G>A (p.Glu186=)

Gene: NEFL (neurofilament light chain; minus strand). Cytogenetic location: 8p21.2.
Variant type: single nucleotide variant.
Coding change: c.558G>A on transcript NM_006158.5 (MANE Select); coding-DNA position 558, G replaced by A.
Protein change: p.Glu186=; no amino-acid change (glutamic acid 186 retained).
Molecular consequence: synonymous variant.
Genome position (GRCh38, 1-based): chr8:24,955,958, C>T on the plus strand (G>A on the coding strand, the complement: NEFL is on the minus strand). VCF-style: chr8-24955958-C-T. GRCh37 (hg19) VCF-style: chr8-24813472-C-T.
Identifiers: ClinVar variation 909674 (VCV000909674.4), dbSNP rs554279852, ClinGen allele CA4681479.

ClinVar aggregate classification (germline): Likely benign (1 of 4 stars; one submission).

Conditions:
Charcot-Marie-Tooth disease type 1F. Also called: Charcot-Marie-Tooth disease, demyelinating, type 1f; CHARCOT-MARIE-TOOTH NEUROPATHY, TYPE 1F. Identifiers: Orphanet 101085, MedGen C1843164, MONDO:0011902, OMIM 607734.

Allele frequency attached by ClinVar (database versions not stated): gnomAD below 0.00001 and 0.00003; TOPMed below 0.00001; gnomAD exomes 0.00004 and 0.00008; ExAC 0.00012; 1000 Genomes Project 30x 0.00016; 1000 Genomes Project 0.00020.
gnomAD v4.1: 64 of 1,602,802 alleles (0.004%); highest among the groups gnomAD compares: South Asian, 0.066%; 3 homozygotes.

Submission:

Illumina Laboratory Services, Illumina
Classification: Likely benign for Charcot-Marie-Tooth disease type 1F. Last evaluated: 2018-01-12. Review status: criteria provided, single submitter. Criteria: ICSL Variant Classification Criteria 13 December 2019. Collection method: clinical testing. Allele origin: germline.
Comment: This variant was observed in the ICSL laboratory as part of a predisposition screen in an ostensibly healthy population. It had not been previously curated by ICSL or reported in the Human Gene Mutation Database (HGMD: prior to June 1st, 2018), and was therefore a candidate for classification through an automated scoring system. Utilizing variant allele frequency, disease prevalence and penetrance estimates, and inheritance mode, an automated score was calculated to assess if this variant is too frequent to cause the disease. Based on the score and internal cut-off values, a variant classified as likely benign is not then subjected to further curation. The score for this variant resulted in a classification of likely benign for this disease.